The following is an entry in ClinVar:

ClinVar aggregate classification (germline): Uncertain significance. Review status: criteria provided, multiple submitters, no conflicts (2 of 4 stars). 2 submissions from 2 submitters: Uncertain significance (2). Last evaluated 2025-08-04.

Allele frequency attached by ClinVar (database versions not stated): gnomAD exomes 0.00039 and 0.00078; 1000 Genomes Project 0.00040; ExAC 0.00040; 1000 Genomes Project 30x 0.00047; TOPMed 0.00054; gnomAD 0.00060 and 0.00061; ESP Exome Variant Server 0.00062.
gnomAD v4.1: 1,211 of 1,608,504 alleles (0.075%); highest among the groups gnomAD compares: Non-Finnish European, 0.096%; 1 homozygote.

Submissions (2):

Ambry Genetics
Classification: Uncertain significance. Last evaluated: 2025-08-04. Review status: criteria provided, single submitter. Criteria: Ambry Variant Classification Scheme 2023. Collection method: clinical testing. Allele origin: germline.

Labcorp Genetics (formerly Invitae), Labcorp
Classification: Uncertain significance. Last evaluated: 2025-07-27. Review status: criteria provided, single submitter. Criteria: Invitae Variant Classification Sherloc (09022015). Collection method: clinical testing. Allele origin: germline.
Comment: This sequence change replaces histidine, which is basic and polar, with tyrosine, which is neutral and polar, at codon 593 of the FAM186B protein (p.His593Tyr). This variant is present in population databases (rs145528972, gnomAD 0.07%), and has an allele count higher than expected for a pathogenic variant. This variant has not been reported in the literature in individuals affected with FAM186B-related conditions. ClinVar contains an entry for this variant (Variation ID: 1505288). An algorithm developed to predict the effect of missense changes on protein structure and function outputs the following: PolyPhen-2: "Benign". The tyrosine amino acid residue is found in multiple mammalian species, which suggests that this missense change does not adversely affect protein function. In summary, the available evidence is currently insufficient to determine the role of this variant in disease. Therefore, it has been classified as a Variant of Uncertain Significance.

NM_032130.3(FAM186B):c.1777C>T (p.His593Tyr)

Gene: FAM186B (family with sequence similarity 186 member B; minus strand). Cytogenetic location: 12q13.12.
Variant type: single nucleotide variant.
Coding change: c.1777C>T on transcript NM_032130.3 (MANE Select); coding-DNA position 1777, C replaced by T.
Protein change: p.His593Tyr; replaces histidine 593 with tyrosine.
Molecular consequence: missense variant. On other transcripts: non-coding transcript variant (1).
Genome position (GRCh38, 1-based): chr12:49,599,863, G>A on the plus strand (C>T on the coding strand, the complement: FAM186B is on the minus strand). VCF-style: chr12-49599863-G-A. GRCh37 (hg19) VCF-style: chr12-49993646-G-A.
Other names: c.1777C>T (NM_032130.2); short protein forms H593Y.
Identifiers: ClinVar variation 1505288 (VCV001505288.9), dbSNP rs145528972, ClinGen allele CA6554625.